The following is an entry in ClinVar:

NM_032409.3(PINK1):c.1501C>T (p.Arg501Ter)

Genes: PINK1 (PTEN induced kinase 1; plus strand), PINK1-AS (PINK1 antisense RNA; minus strand). Cytogenetic location: 1p36.12.
Variant type: single nucleotide variant.
Coding change: c.1501C>T on transcript NM_032409.3 (MANE Select); coding-DNA position 1501, C replaced by T.
Protein change: p.Arg501Ter; replaces arginine 501 with a stop codon.
Molecular consequence: nonsense. On other transcripts: non-coding transcript variant (1).
Genome position (GRCh38, 1-based): chr1:20,650,446, C>T. VCF-style: chr1-20650446-C-T. GRCh37 (hg19) VCF-style: chr1-20976939-C-T.
Other names: c.1501C>T (NM_032409.2); short protein forms R501*.
Identifiers: ClinVar variation 2042776 (VCV002042776.5), dbSNP rs1432225013, ClinGen allele CA338840122.

ClinVar aggregate classification (germline): Pathogenic/Likely pathogenic. Review status: criteria provided, multiple submitters, no conflicts (2 of 4 stars). 2 submissions from 2 submitters: Pathogenic (1); Likely pathogenic (1). Last evaluated 2022-09-01.

Conditions:
Autosomal recessive early-onset Parkinson disease 6 (PARK6). Also called: PARKINSON DISEASE 6, EARLY-ONSET; PINK1 Type of Young-Onset Parkinson Disease; PARKINSON DISEASE 6, MODIFIER OF; PINK1-Related Parkinson Disease. Identifiers: Orphanet 2828, MedGen C1853833, MONDO:0011613, OMIM 605909.

Allele frequency attached by ClinVar (database versions not stated): gnomAD exomes below 0.00001; TOPMed 0.00001.
gnomAD v4.1: 4 of 1,613,864 alleles (0.00025%); highest among the groups gnomAD compares: Middle Eastern, 0.033%; no homozygotes.

Submissions (2):

GeneDx
Classification: Likely pathogenic. Last evaluated: 2022-09-01. Review status: criteria provided, single submitter. Criteria: GeneDx Variant Classification Process June 2021. Collection method: clinical testing. Allele origin: germline. Affected: yes.
Comment: Nonsense variant in the C-terminus predicted to result in protein truncation, as the last 81 amino acids are lost, and other loss-of-function variants have been reported downstream in HGMD; Not observed at significant frequency in large population cohorts (gnomAD); Previously reported in the de novo, heterozygous state in an individual with a neurodevelopmental disorder; however a second PINK1 variant was not identified and additional clinical details were not provided (Wang et al., 2021); This variant is associated with the following publications: (PMID: 33994118)

Labcorp Genetics (formerly Invitae), Labcorp
Classification: Pathogenic for Autosomal recessive early-onset Parkinson disease 6. Last evaluated: 2022-01-05. Review status: criteria provided, single submitter. Criteria: Invitae Variant Classification Sherloc (09022015). Collection method: clinical testing. Allele origin: germline.
Comment: For these reasons, this variant has been classified as Pathogenic. This variant disrupts a region of the PINK1 protein in which other variant(s) (p.Cys549Trpfs*5) have been determined to be pathogenic (PMID: 16401616). This suggests that this is a clinically significant region of the protein, and that variants that disrupt it are likely to be disease-causing. This variant has not been reported in the literature in individuals affected with PINK1-related conditions. This variant is not present in population databases (gnomAD no frequency). This sequence change creates a premature translational stop signal (p.Arg501*) in the PINK1 gene. While this is not anticipated to result in nonsense mediated decay, it is expected to disrupt the last 81 amino acid(s) of the PINK1 protein.

Literature cited by the submitters: PubMed 16401616 (cited by Labcorp Genetics (formerly Invitae), Labcorp).